The following is an entry in ClinVar:

NM_032387.5(WNK4):c.2213G>A (p.Arg738Gln)

Gene: WNK4 (WNK lysine deficient protein kinase 4; plus strand). Cytogenetic location: 17q21.2.
Variant type: single nucleotide variant.
Coding change: c.2213G>A on transcript NM_032387.5 (MANE Select); coding-DNA position 2213, G replaced by A.
Protein change: p.Arg738Gln; replaces arginine 738 with glutamine.
Molecular consequence: missense variant.
Genome position (GRCh38, 1-based): chr17:42,793,647, G>A. VCF-style: chr17-42793647-G-A. GRCh37 (hg19) VCF-style: chr17-40945665-G-A.
Other names: c.1205G>A, p.Arg402Gln (NM_001321299.2); short protein forms R738Q, R402Q.
Identifiers: ClinVar variation 323337 (VCV000323337.12), dbSNP rs200823152, ClinGen allele CA8584261.
Genomic context (GRCh38, chr17:42,793,647, plus strand): 5'-GCAAGGTATATAACGAGTTCATTCTGCCTTCGGAGCGAGATGGATTTCTCAGACGGATTC[G>A]GGAGATTATCCAGCGAGTGGAGACCCTGTTGAAGAGAGACACTGGCCCCATGGAGGCTGC-3'
Protein context (NP_115763.2, residues 728-748): SERDGFLRRI[Arg738Gln]EIIQRVETLL

ClinVar aggregate classification (germline): Benign/Likely benign. Review status: criteria provided, multiple submitters, no conflicts (2 of 4 stars). 5 submissions from 5 submitters: Benign (1); Likely benign (4). Last evaluated 2024-11-11.

Conditions:
Pseudohypoaldosteronism type 2B (PHA2B). Also called: Pseudohypoaldosteronism Type IIB. Identifiers: Orphanet 757, Orphanet 88939, MedGen C1840390, MONDO:0013777, OMIM 614491.

Allele frequency attached by ClinVar (database versions not stated): ESP Exome Variant Server 0.00008; gnomAD exomes 0.00014 and 0.00029; TOPMed 0.00014; ExAC 0.00016; gnomAD 0.00025 and 0.00026.
gnomAD v4.1: 254 of 1,613,856 alleles (0.016%); highest among the groups gnomAD compares: Middle Eastern, 0.016%; no homozygotes.

Submissions (5):

Labcorp Genetics (formerly Invitae), Labcorp
Classification: Benign. Last evaluated: 2024-11-11. Review status: criteria provided, single submitter. Criteria: Invitae Variant Classification Sherloc (09022015). Collection method: clinical testing. Allele origin: germline.

Women's Health and Genetics/Laboratory Corporation of America, LabCorp
Classification: Likely benign. Last evaluated: 2024-06-10. Review status: criteria provided, single submitter. Criteria: LabCorp Variant Classification Summary - May 2015. Collection method: clinical testing. Allele origin: germline.
Comment: Variant summary: WNK4 c.2213G>A (p.Arg738Gln) results in a conservative amino acid change in the encoded protein sequence. Five of five in-silico tools predict a benign effect of the variant on protein function. The variant allele was found at a frequency of 0.00029 in 251476 control chromosomes. This frequency is not significantly higher than estimated for a pathogenic variant in WNK4 causing Pseudohypoaldosteronism Type 2B, allowing no conclusion about variant significance. To our knowledge, no occurrence of c.2213G>A in individuals affected with Pseudohypoaldosteronism Type 2B and no experimental evidence demonstrating its impact on protein function have been reported. ClinVar contains an entry for this variant (Variation ID: 323337). Based on the evidence outlined above, the variant was classified as likely benign.

Fulgent Genetics
Classification: Likely benign for Pseudohypoaldosteronism type 2B. Last evaluated: 2021-07-09. Review status: criteria provided, single submitter. Criteria: ACMG Guidelines, 2015. Collection method: clinical testing. Allele origin: unknown.

Illumina Laboratory Services, Illumina
Classification: Likely benign for Pseudohypoaldosteronism type 2B. Last evaluated: 2018-01-13. Review status: criteria provided, single submitter. Criteria: ICSL Variant Classification Criteria 13 December 2019. Collection method: clinical testing. Allele origin: germline.
Comment: This variant was observed in the ICSL laboratory as part of a predisposition screen in an ostensibly healthy population. It had not been previously curated by ICSL or reported in the Human Gene Mutation Database (HGMD: prior to June 1st, 2018), and was therefore a candidate for classification through an automated scoring system. Utilizing variant allele frequency, disease prevalence and penetrance estimates, and inheritance mode, an automated score was calculated to assess if this variant is too frequent to cause the disease. Based on the score and internal cut-off values, a variant classified as likely benign is not then subjected to further curation. The score for this variant resulted in a classification of likely benign for this disease.

Breakthrough Genomics
Classification: Likely benign. Review status: criteria provided, single submitter. Criteria: ACMG Guidelines, 2015. Collection method: not provided. Allele origin: germline. Inheritance: Autosomal dominant inheritance. Affected: yes.